The following is an entry in ClinVar:

NM_001146175.2(ZNF414):c.1061_1099del (p.Ala354_Ala366del)

Gene: ZNF414 (zinc finger protein 414; minus strand). Cytogenetic location: 19p13.2.
Variant type: Deletion.
Coding change: c.1061_1099del on transcript NM_001146175.2 (MANE Select); coding-DNA positions 1061 to 1099, 39 bases deleted.
Protein change: p.Ala354_Ala366del.
Molecular consequence: inframe deletion.
Genome position (GRCh38, 1-based): chr19:8,510,851-8,510,889, 39 bases deleted; deleting any 39 consecutive bases within chr19:8,510,851-8,510,900 gives the same sequence; the c. name uses the placement nearest the transcript's 3' end. GRCh37 (hg19): chr19:8,575,746-8,575,784.
Identifiers: ClinVar variation 2649202 (VCV002649202.24), dbSNP rs768916342, ClinGen allele CA9158268.

ClinVar aggregate classification (germline): Likely benign (1 of 4 stars; one submission).

Submission:

CeGaT Center for Human Genetics Tuebingen
Classification: Likely benign. Last evaluated: 2022-12-01. Review status: criteria provided, single submitter. Criteria: CeGaT Center For Human Genetics Tuebingen Variant Classification Criteria Version 2. Collection method: clinical testing. Allele origin: germline. Affected: yes. Observed: 1 variant allele.
Comment: ZNF414: BS2